The following is an entry in ClinVar:

NM_000135.4(FANCA):c.1285A>C (p.Thr429Pro)

Gene: FANCA (FA complementation group A; minus strand). Cytogenetic location: 16q24.3.
Variant type: single nucleotide variant.
Coding change: c.1285A>C on transcript NM_000135.4 (MANE Select); coding-DNA position 1285, A replaced by C.
Protein change: p.Thr429Pro; replaces threonine 429 with proline.
Molecular consequence: missense variant.
Genome position (GRCh38, 1-based): chr16:89,791,477, T>G on the plus strand (A>C on the coding strand, the complement: FANCA is on the minus strand). VCF-style: chr16-89791477-T-G. GRCh37 (hg19) VCF-style: chr16-89857885-T-G.
Other names: c.1285A>C, p.Thr429Pro (NM_001286167.3); short protein forms T429P.
Identifiers: ClinVar variation 2827205 (VCV002827205.4), dbSNP rs1192964304, ClinGen allele CA397464106.

ClinVar aggregate classification (germline): Uncertain significance. Review status: criteria provided, multiple submitters, no conflicts (2 of 4 stars). 2 submissions from 2 submitters: Uncertain significance (2). Last evaluated 2026-06-24.

Conditions:
Fanconi anemia (FA). Also called: Fanconi's anemia. Identifiers: Orphanet 84, MedGen C0015625, MeSH D005199, MONDO:0019391.
Inborn genetic diseases. Identifiers: MedGen C0950123, MeSH D030342.

Submissions (2):

Ambry Genetics
Classification: Uncertain significance for Inborn genetic diseases. Last evaluated: 2026-06-24. Review status: criteria provided, single submitter. Criteria: Ambry Variant Classification Scheme 2023. Collection method: clinical testing. Allele origin: germline.
Comment: The p.T429P variant (also known as c.1285A>C), located in coding exon 14 of the FANCA gene, results from an A to C substitution at nucleotide position 1285. The threonine at codon 429 is replaced by proline, an amino acid with highly similar properties. This amino acid position is conserved. In addition, the in silico prediction for this alteration is inconclusive. Based on the available evidence, the clinical significance of this variant remains unclear.

Labcorp Genetics (formerly Invitae), Labcorp
Classification: Uncertain significance for Fanconi anemia. Last evaluated: 2023-01-09. Review status: criteria provided, single submitter. Criteria: Invitae Variant Classification Sherloc (09022015). Collection method: clinical testing. Allele origin: germline.
Comment: Advanced modeling of protein sequence and biophysical properties (such as structural, functional, and spatial information, amino acid conservation, physicochemical variation, residue mobility, and thermodynamic stability) performed at Invitae indicates that this missense variant is not expected to disrupt FANCA protein function. In summary, the available evidence is currently insufficient to determine the role of this variant in disease. Therefore, it has been classified as a Variant of Uncertain Significance. This variant has not been reported in the literature in individuals affected with FANCA-related conditions. This variant is not present in population databases (gnomAD no frequency). This sequence change replaces threonine, which is neutral and polar, with proline, which is neutral and non-polar, at codon 429 of the FANCA protein (p.Thr429Pro).